The following is an entry in ClinVar:

NM_001267550.2(TTN):c.1830A>G (p.Val610=)

Gene: TTN (titin; minus strand). Cytogenetic location: 2q31.2.
Variant type: single nucleotide variant.
Coding change: c.1830A>G on transcript NM_001267550.2 (MANE Select); coding-DNA position 1830, A replaced by G.
Protein change: p.Val610=; no amino-acid change (valine 610 retained).
Molecular consequence: synonymous variant.
Genome position (GRCh38, 1-based): chr2:178,790,086, T>C on the plus strand (A>G on the coding strand, the complement: TTN is on the minus strand). VCF-style: chr2-178790086-T-C. GRCh37 (hg19) VCF-style: chr2-179654813-T-C.
Other names: c.1830A>G, p.Val610= (NM_001256850.1, NM_133378.4, NM_133379.5); c.1692A>G, p.Val564= (NM_003319.4, NM_133432.3, NM_133437.4).
Identifiers: ClinVar variation 669212 (VCV000669212.14), dbSNP rs371660109, ClinGen allele CA2005952.

ClinVar aggregate classification (germline): Likely benign. Review status: criteria provided, multiple submitters, no conflicts (2 of 4 stars). 3 submissions from 3 submitters: Likely benign (3). Last evaluated 2026-01-05.

Conditions:
Cardiovascular phenotype. Identifiers: MedGen CN230736.
Dilated cardiomyopathy 1G (CMD1G). Identifiers: Orphanet 154, MedGen C1858763, MONDO:0011400, OMIM 604145.
Autosomal recessive limb-girdle muscular dystrophy type 2J (LGMDR10). Also called: MUSCULAR DYSTROPHY, LIMB-GIRDLE, AUTOSOMAL RECESSIVE 10; Limb-girdle muscular dystrophy, type 2J. Identifiers: Orphanet 140922, MedGen C1837342, MONDO:0012127, OMIM 608807.

Allele frequency attached by ClinVar (database versions not stated): gnomAD exomes below 0.00001; ExAC 0.00002; gnomAD 0.00005; ESP Exome Variant Server 0.00008; TOPMed 0.00008; 1000 Genomes Project 0.00020; 1000 Genomes Project 30x 0.00031.
gnomAD v4.1: 14 of 1,613,034 alleles (0.00087%); highest among the groups gnomAD compares: African/African-American, 0.017%; no homozygotes.

Submissions (3):

Labcorp Genetics (formerly Invitae), Labcorp
Classification: Likely benign for Dilated cardiomyopathy 1G; Autosomal recessive limb-girdle muscular dystrophy type 2J. Last evaluated: 2026-01-05. Review status: criteria provided, single submitter. Criteria: Invitae Variant Classification Sherloc (09022015). Collection method: clinical testing. Allele origin: germline.

Ambry Genetics
Classification: Likely benign for Cardiovascular phenotype. Last evaluated: 2021-02-05. Review status: criteria provided, single submitter. Criteria: Ambry Variant Classification Scheme 2023. Collection method: clinical testing. Allele origin: germline.

GeneDx
Classification: Likely benign. Last evaluated: 2018-05-29. Review status: criteria provided, single submitter. Criteria: GeneDx Variant Classification (06012015). Collection method: clinical testing. Allele origin: germline. Affected: yes.
Comment: This variant is considered likely benign or benign based on one or more of the following criteria: it is a conservative change, it occurs at a poorly conserved position in the protein, it is predicted to be benign by multiple in silico algorithms, and/or has population frequency not consistent with disease.